The following is an entry in ClinVar:

ClinVar aggregate classification (germline): Likely pathogenic (1 of 4 stars; one submission).

Submission:

Clinical Genomics Laboratory, Laboratory for Precision Diagnostics, University of Washington
Classification: Likely pathogenic. Last evaluated: 2016-07-27. Review status: criteria provided, single submitter. Criteria: Clinical Cytogenomics Laboratory Policy on CNV Interpretation. Collection method: clinical testing. Allele origin: maternal. Affected: yes. Observed: 1 variant allele.

Literature cited by the submitters: PubMed 21596366; PubMed 26422091.

GRCh37/hg19 Xq28(chrX:154256858-154297348)x0

Genes: FUNDC2 (FUN14 domain containing 2; plus strand), MTCP1 (mature T cell proliferation 1; minus strand), CMC4 (C-X9-C motif containing 4; minus strand). Cytogenetic location: Xq28.
Variant type: copy number loss.
Change: copy number 0 of chrX:154,256,858-154,297,348 (40.5 kb, GRCh37 coordinates, 1-based), cytogenetic band Xq28.
Identifiers: ClinVar variation 268063 (VCV000268063.4).